The following is an entry in ClinVar:

ClinVar aggregate classification (germline): Pathogenic (1 of 4 stars; one submission).

Conditions:
Arrhythmogenic right ventricular dysplasia 8 (ARVD8). Also called: ARRHYTHMOGENIC RIGHT VENTRICULAR CARDIOMYOPATHY 8; Arrhythmogenic Right Ventricular Dysplasia/Cardiomyopathy 8; ARRHYTHMOGENIC RIGHT VENTRICULAR DYSPLASIA, FAMILIAL, 8. Identifiers: MedGen C1843896, MONDO:0011831, OMIM 607450.

Submission:

3billion
Classification: Pathogenic for Arrhythmogenic right ventricular dysplasia 8. Last evaluated: 2024-08-30. Review status: criteria provided, single submitter. Criteria: ACMG Guidelines, 2015. Collection method: clinical testing. Allele origin: germline. Affected: yes.
Comment: The variant is not observed in the gnomAD v4.0.0 dataset. Predicted Consequence/Location: Stop-gained (nonsense): predicted to result in a loss or disruption of normal protein function through nonsense-mediated decay (NMD) or protein truncation. Multiple pathogenic variants are reported downstream of the variant. The variant has been reported to be associated with DSP related disorder (3billion dataset). Therefore, this variant is classified as Pathogenic according to the recommendation of ACMG/AMP guideline.

NM_004415.4(DSP):c.4064_4068del (p.Asn1354_Tyr1355insTer)

Gene: DSP (desmoplakin; plus strand). Cytogenetic location: 6p24.3.
Variant type: Deletion.
Coding change: c.4064_4068del on transcript NM_004415.4 (MANE Select); coding-DNA positions 4064 to 4068, 5 bases deleted (ATGAT; older notation c.4064_4068delATGAT).
Protein change: p.Asn1354_Tyr1355insTer.
Molecular consequence: nonsense. On other transcripts: intron variant (2).
Genome position (GRCh38, 1-based): chr6:7,580,254-7,580,258, ATGAT deleted; deleting any 5 consecutive bases within chr6:7,580,253-7,580,258 gives the same sequence; the c. name uses the placement nearest the transcript's 3' end. VCF-style (leftmost placement, unchanged base first): chr6-7580252-TTATGA-T. GRCh37 (hg19) VCF-style: chr6-7580485-TTATGA-T.
Other names: c.4050+14_4050+18del (NM_001319034.2); c.3582+482_3582+486del (NM_001008844.3).
Identifiers: ClinVar variation 4293379 (VCV004293379.1).
Genomic context (GRCh38, chr6:7,580,252, plus strand): 5'-TCAGGAGGAGGCCAAGCGCCGCTGGGAATATGAAAATGAACTGAGTAAGGTAAGAAACAA[TTATGA>T]TGAGGAGATCATTAGCTTAAAAAATCAGTTTGAGACCGAGATCAACATCACCAAGACCAC-3'